The following is an entry in ClinVar:

ClinVar aggregate classification (germline): Uncertain significance (1 of 4 stars; one submission).

Submission:

Labcorp Genetics (formerly Invitae), Labcorp
Classification: Uncertain significance. Last evaluated: 2025-04-02. Review status: criteria provided, single submitter. Criteria: Invitae Variant Classification Sherloc (09022015). Collection method: clinical testing. Allele origin: germline.
Comment: This sequence change affects codon 1655 of the ARID1B mRNA. It is a 'silent' change, meaning that it does not change the encoded amino acid sequence of the ARID1B protein. This variant is not present in population databases (gnomAD no frequency). This variant has not been reported in the literature in individuals affected with ARID1B-related conditions. Algorithms developed to predict the effect of sequence changes on RNA splicing suggest that this variant may disrupt the consensus splice site. In summary, the available evidence is currently insufficient to determine the role of this variant in disease. Therefore, it has been classified as a Variant of Uncertain Significance.

NM_001374828.1(ARID1B):c.5334G>A (p.Leu1778=)

Gene: ARID1B (AT-rich interaction domain 1B; plus strand). Cytogenetic location: 6q25.3.
Variant type: single nucleotide variant.
Coding change: c.5334G>A on transcript NM_001374828.1 (MANE Select); coding-DNA position 5334, G replaced by A.
Protein change: p.Leu1778=; no amino-acid change (leucine 1778 retained).
Molecular consequence: synonymous variant.
Genome position (GRCh38, 1-based): chr6:157,203,936, G>A. VCF-style: chr6-157203936-G-A. GRCh37 (hg19) VCF-style: chr6-157525070-G-A.
Other names: c.2835G>A, p.Leu945= (NM_001363725.2); c.5214G>A, p.Leu1738= (NM_001371656.1, NM_001374820.1); c.5463G>A, p.Leu1821= (NM_001438482.1); c.5376G>A, p.Leu1792= (NM_001438483.1); c.5244G>A, p.Leu1748= (NM_001438485.1); c.5217G>A, p.Leu1739= (NM_001438486.1); c.5154G>A, p.Leu1718= (NM_001438487.1); c.2676G>A, p.Leu892= (NM_001438488.1); and 1 more.
Identifiers: ClinVar variation 4716657 (VCV004716657.1).
Genomic context (GRCh38, chr6:157,203,936, plus strand): 5'-GGCGTGGCGTGTGATGATGTCCCTTAAATCAGGTCTTTTGGCTGAGAGTACGTGGGCTTT[G>A]GACACTATTAATATTCTTCTGTATGATGACAGCACTGTTGCTACTTTCAATCTCTCCCAG-3'
Protein context (NP_001361757.1, residues 1768-1788): SGLLAESTWA[Leu1778=]DTINILLYDD